The following is an entry in ClinVar:

ClinVar aggregate classification (germline): Pathogenic/Likely pathogenic. Review status: criteria provided, multiple submitters, no conflicts (2 of 4 stars). 2 submissions from 2 submitters: Pathogenic (1); Likely pathogenic (1). Last evaluated 2025-08-04.

Conditions:
GPR179-related disorders.

Submissions (2):

Labcorp Genetics (formerly Invitae), Labcorp
Classification: Pathogenic. Last evaluated: 2025-08-04. Review status: criteria provided, single submitter. Criteria: Invitae Variant Classification Sherloc (09022015). Collection method: clinical testing. Allele origin: germline.
Comment: This sequence change creates a premature translational stop signal (p.Glu334Argfs*64) in the GPR179 gene. It is expected to result in an absent or disrupted protein product. Loss-of-function variants in GPR179 are known to be pathogenic (PMID: 22325361, 22325362). This variant is present in population databases (rs777056494, gnomAD 0.002%). This variant has not been reported in the literature in individuals affected with GPR179-related conditions. ClinVar contains an entry for this variant (Variation ID: 3023225). For these reasons, this variant has been classified as Pathogenic.

Blueprint Genetics
Classification: Likely pathogenic for GPR179-related disorders. Last evaluated: 2019-09-30. Review status: criteria provided, single submitter. Criteria: ACMG Guidelines, 2015. Collection method: clinical testing. Allele origin: germline. Affected: yes. Observed: 1 variant allele.

Literature cited by the submitters: PubMed 22325361 (cited by Labcorp Genetics (formerly Invitae), Labcorp); PubMed 22325362 (cited by Labcorp Genetics (formerly Invitae), Labcorp).

NM_001004334.4(GPR179):c.1000del (p.Glu334fs)

Gene: GPR179 (G protein-coupled receptor 179; minus strand). Cytogenetic location: 17q12.
Variant type: Deletion.
Coding change: c.1000del on transcript NM_001004334.4 (MANE Select); coding-DNA position 1000, one base deleted (G; older notation c.1000delG).
Protein change: p.Glu334fs; shifts the reading frame from glutamic acid 334.
Molecular consequence: frameshift variant.
Genome position (GRCh38, 1-based): chr17:38,337,205, C deleted on the plus strand (G on the coding strand, the reverse complement: GPR179 is on the minus strand); the first of 2 consecutive C bases (chr17:38,337,205-38,337,206); deleting either gives the same sequence. VCF-style (leftmost placement, unchanged base first): chr17-38337204-TC-T. GRCh37 (hg19) VCF-style: chr17-36493087-TC-T.
Other names: short protein forms E334fs.
Identifiers: ClinVar variation 3023225 (VCV003023225.4), dbSNP rs777056494, ClinGen allele CA290109458.